The following is an entry in ClinVar:

NM_005159.5(ACTC1):c.521C>A (p.Pro174His)

Genes: ACTC1 (actin alpha cardiac muscle 1; minus strand), GJD2-DT (GJD2 divergent transcript; plus strand). Cytogenetic location: 15q14.
Variant type: single nucleotide variant.
Coding change: c.521C>A on transcript NM_005159.5 (MANE Select); coding-DNA position 521, C replaced by A.
Protein change: p.Pro174His; replaces proline 174 with histidine.
Molecular consequence: missense variant.
Genome position (GRCh38, 1-based): chr15:34,792,503, G>T on the plus strand (C>A on the coding strand, the complement: ACTC1 is on the minus strand). VCF-style: chr15-34792503-G-T. GRCh37 (hg19) VCF-style: chr15-35084704-G-T.
Other names: c.521C>A, p.Pro174His (NM_001406482.1, NM_001406483.1); c.386C>A, p.Pro129His (NM_001406484.1); c.80C>A, p.Pro27His (NM_001406485.1); short protein forms P129H, P174H, P27H.
Identifiers: ClinVar variation 2447969 (VCV002447969.3), dbSNP rs2140430949, ClinGen allele CA391631048.
Genomic context (GRCh38, chr15:34,792,503, plus strand): 5'-ATCTTCATGAGGTAGTCAGTGAGGTCCCGACCAGCCAGATCCAGACGCATGATGGCATGG[G>T]GCAAAGCGTAGCCCTCATAGATGGGGACATTGTGAGTTACACCATCCCCAGAGTCCAGAA-3'
Protein context (NP_005150.1, residues 164-184): NVPIYEGYAL[Pro174His]HAIMRLDLAG

ClinVar aggregate classification (germline): Uncertain significance. Review status: criteria provided, multiple submitters, no conflicts (2 of 4 stars). 2 submissions from 2 submitters: Uncertain significance (2). Last evaluated 2023-02-14.

Conditions:
Cardiovascular phenotype. Identifiers: MedGen CN230736.
ACTC1-related disorder. Also called: ACTC1-related condition.

Submissions (2):

PreventionGenetics, part of Exact Sciences
Classification: Uncertain significance for ACTC1-related condition. Last evaluated: 2023-02-14. Review status: criteria provided, single submitter. Criteria: ACMG Guidelines, 2015. Collection method: clinical testing. Allele origin: germline.
Comment: The ACTC1 c.521C>A variant is predicted to result in the amino acid substitution p.Pro174His. To our knowledge, this variant has not been reported in the literature or in a large population database, indicating this variant is rare. At this time, the clinical significance of this variant is uncertain due to the absence of conclusive functional and genetic evidence.

Ambry Genetics
Classification: Uncertain significance for Cardiovascular phenotype. Last evaluated: 2022-11-10. Review status: criteria provided, single submitter. Criteria: Ambry Variant Classification Scheme 2023. Collection method: clinical testing. Allele origin: germline.
Comment: The p.P174H variant (also known as c.521C>A), located in coding exon 3 of the ACTC1 gene, results from a C to A substitution at nucleotide position 521. The proline at codon 174 is replaced by histidine, an amino acid with similar properties. This amino acid position is conserved. In addition, this alteration is predicted to be deleterious by in silico analysis. Since supporting evidence is limited at this time, the clinical significance of this alteration remains unclear.